The following is an entry in ClinVar:

ClinVar aggregate classification (germline): Uncertain significance (1 of 4 stars; one submission).

Conditions:
Peroxisome biogenesis disorder. Identifiers: Orphanet 79189, MedGen C1832200, MONDO:0019234. Disease mechanism: loss of function.

Allele frequency attached by ClinVar (database versions not stated): gnomAD 0.00001; ExAC 0.00002; gnomAD exomes 0.00002; TOPMed 0.00002.
gnomAD v4.1: 12 of 1,613,934 alleles (0.00074%); highest among the groups gnomAD compares: South Asian, 0.0066%; no homozygotes.

Submission:

Labcorp Genetics (formerly Invitae), Labcorp
Classification: Uncertain significance for Peroxisome biogenesis disorder. Last evaluated: 2024-12-02. Review status: criteria provided, single submitter. Criteria: Invitae Variant Classification Sherloc (09022015). Collection method: clinical testing. Allele origin: germline.
Comment: This sequence change replaces arginine, which is basic and polar, with cysteine, which is neutral and slightly polar, at codon 109 of the PEX16 protein (p.Arg109Cys). This variant is present in population databases (rs779016766, gnomAD 0.01%). This variant has not been reported in the literature in individuals affected with PEX16-related conditions. ClinVar contains an entry for this variant (Variation ID: 1345650). Invitae Evidence Modeling of protein sequence and biophysical properties (such as structural, functional, and spatial information, amino acid conservation, physicochemical variation, residue mobility, and thermodynamic stability) has been performed for this missense variant. However, the output from this modeling did not meet the statistical confidence thresholds required to predict the impact of this variant on PEX16 protein function. In summary, the available evidence is currently insufficient to determine the role of this variant in disease. Therefore, it has been classified as a Variant of Uncertain Significance.

NM_004813.4(PEX16):c.325C>T (p.Arg109Cys)

Gene: PEX16 (peroxisomal biogenesis factor 16; minus strand). Cytogenetic location: 11p11.2.
Variant type: single nucleotide variant.
Coding change: c.325C>T on transcript NM_004813.4 (MANE Select); coding-DNA position 325, C replaced by T.
Protein change: p.Arg109Cys; replaces arginine 109 with cysteine.
Molecular consequence: missense variant.
Genome position (GRCh38, 1-based): chr11:45,915,737, G>A on the plus strand (C>T on the coding strand, the complement: PEX16 is on the minus strand). VCF-style: chr11-45915737-G-A. GRCh37 (hg19) VCF-style: chr11-45937288-G-A.
Other names: c.325C>T, p.Arg109Cys (NM_057174.3); short protein forms R109C.
Identifiers: ClinVar variation 1345650 (VCV001345650.4), dbSNP rs779016766, ClinGen allele CA5960018.